The following is an entry in ClinVar:

NM_001365951.3(KIF1B):c.1435-15C>T

Gene: KIF1B (kinesin family member 1B; plus strand). Cytogenetic location: 1p36.22.
Variant type: single nucleotide variant.
Coding change: c.1435-15C>T on transcript NM_001365951.3 (MANE Select); 15 bases into the intron before coding-DNA position 1435, C replaced by T.
Molecular consequence: intron variant.
Genome position (GRCh38, 1-based): chr1:10,291,067, C>T. VCF-style: chr1-10291067-C-T. GRCh37 (hg19) VCF-style: chr1-10351125-C-T.
Other names: c.1297-15C>T (NM_183416.4, NM_015074.3, NM_001365953.1); c.1435-15C>T (NM_001365952.1).
Identifiers: ClinVar variation 875939 (VCV000875939.12), dbSNP rs371838261, ClinGen allele CA580970.

ClinVar aggregate classification (germline): Benign/Likely benign. Review status: criteria provided, multiple submitters, no conflicts (2 of 4 stars). 3 submissions from 3 submitters: Benign (1); Likely benign (2). Last evaluated 2026-01-12.

Conditions:
Neuroblastoma (NB). Identifiers: Orphanet 635, MedGen C0027819, MeSH D009447, MONDO:0005072, HP:0003006.
Charcot-Marie-Tooth disease type 2. Also called: Charcot-Marie-Tooth type 2. Identifiers: Orphanet 64746, MedGen C0270914, MONDO:0018993.

Allele frequency attached by ClinVar (database versions not stated): TOPMed 0.00008; ESP Exome Variant Server 0.00015; ExAC 0.00023; gnomAD exomes 0.00039; gnomAD 0.00041 and 0.00044.
gnomAD v4.1: 431 of 1,605,408 alleles (0.027%); highest among the groups gnomAD compares: Middle Eastern, 0.016%; no homozygotes.

Submissions (3):

Labcorp Genetics (formerly Invitae), Labcorp
Classification: Benign for Charcot-Marie-Tooth disease type 2. Last evaluated: 2026-01-12. Review status: criteria provided, single submitter. Criteria: Invitae Variant Classification Sherloc (09022015). Collection method: clinical testing. Allele origin: germline.

Blueprint Genetics
Classification: Likely benign. Last evaluated: 2024-11-21. Review status: criteria provided, single submitter. Criteria: ACMG Guidelines, 2015. Collection method: clinical testing. Allele origin: germline.

Illumina Laboratory Services, Illumina
Classification: Likely benign for Neuroblastoma. Last evaluated: 2018-01-13. Review status: criteria provided, single submitter. Criteria: ICSL Variant Classification Criteria 13 December 2019. Collection method: clinical testing. Allele origin: germline.
Comment: This variant was observed in the ICSL laboratory as part of a predisposition screen in an ostensibly healthy population. It had not been previously curated by ICSL or reported in the Human Gene Mutation Database (HGMD: prior to June 1st, 2018), and was therefore a candidate for classification through an automated scoring system. Utilizing variant allele frequency, disease prevalence and penetrance estimates, and inheritance mode, an automated score was calculated to assess if this variant is too frequent to cause the disease. Based on the score and internal cut-off values, a variant classified as likely benign is not then subjected to further curation. The score for this variant resulted in a classification of likely benign for this disease.